The following is an entry in ClinVar:

NM_153026.3(PRICKLE1):c.706C>T (p.Arg236Cys)

Gene: PRICKLE1 (prickle planar cell polarity protein 1; minus strand). Cytogenetic location: 12q12.
Variant type: single nucleotide variant.
Coding change: c.706C>T on transcript NM_153026.3 (MANE Select); coding-DNA position 706, C replaced by T.
Protein change: p.Arg236Cys; replaces arginine 236 with cysteine.
Molecular consequence: missense variant.
Genome position (GRCh38, 1-based): chr12:42,466,263, G>A on the plus strand (C>T on the coding strand, the complement: PRICKLE1 is on the minus strand). VCF-style: chr12-42466263-G-A. GRCh37 (hg19) VCF-style: chr12-42860065-G-A.
Other names: c.706C>T, p.Arg236Cys (NM_001144881.2, NM_001144882.2, NM_001144883.2); short protein forms R236C.
Identifiers: ClinVar variation 861458 (VCV000861458.7), dbSNP rs372213429, ClinGen allele CA6519860.

ClinVar aggregate classification (germline): Uncertain significance (1 of 4 stars; one submission).

Conditions:
Epilepsy, progressive myoclonic, 1B. Also called: PME. Identifiers: Orphanet 308, MedGen C2676254, MONDO:0012904, OMIM 612437.

Allele frequency attached by ClinVar (database versions not stated): gnomAD exomes 0.00001 and 0.00002; TOPMed 0.00002; ExAC 0.00003; gnomAD 0.00003; ESP Exome Variant Server 0.00008.
gnomAD v4.1: 15 of 1,614,036 alleles (0.00093%); highest among the groups gnomAD compares: African/African-American, 0.008%; no homozygotes.

Submission:

Labcorp Genetics (formerly Invitae), Labcorp
Classification: Uncertain significance for Epilepsy, progressive myoclonic, 1B. Last evaluated: 2023-08-04. Review status: criteria provided, single submitter. Criteria: Invitae Variant Classification Sherloc (09022015). Collection method: clinical testing. Allele origin: germline.
Comment: This sequence change replaces arginine, which is basic and polar, with cysteine, which is neutral and slightly polar, at codon 236 of the PRICKLE1 protein (p.Arg236Cys). This variant is present in population databases (rs372213429, gnomAD 0.006%). This variant has not been reported in the literature in individuals affected with PRICKLE1-related conditions. ClinVar contains an entry for this variant (Variation ID: 861458). Advanced modeling of protein sequence and biophysical properties (such as structural, functional, and spatial information, amino acid conservation, physicochemical variation, residue mobility, and thermodynamic stability) performed at Invitae indicates that this missense variant is expected to disrupt PRICKLE1 protein function. In summary, the available evidence is currently insufficient to determine the role of this variant in disease. Therefore, it has been classified as a Variant of Uncertain Significance.